The following is an entry in ClinVar:

NM_213606.4(SLC16A12):c.407C>T (p.Thr136Met)

Gene: SLC16A12 (solute carrier family 16 member 12; minus strand). Cytogenetic location: 10q23.31.
Variant type: single nucleotide variant.
Coding change: c.407C>T on transcript NM_213606.4 (MANE Select); coding-DNA position 407, C replaced by T.
Protein change: p.Thr136Met; replaces threonine 136 with methionine.
Molecular consequence: missense variant.
Genome position (GRCh38, 1-based): chr10:89,441,149, G>A on the plus strand (C>T on the coding strand, the complement: SLC16A12 is on the minus strand). VCF-style: chr10-89441149-G-A. GRCh37 (hg19) VCF-style: chr10-91200906-G-A.
Other names: short protein forms T136M.
Identifiers: ClinVar variation 1304566 (VCV001304566.7), dbSNP rs190323395, ClinGen allele CA5595517.

ClinVar aggregate classification (germline): Uncertain significance. Review status: criteria provided, multiple submitters, no conflicts (2 of 4 stars). 4 submissions from 4 submitters: Uncertain significance (4). Last evaluated 2024-11-18.

Conditions:
Juvenile cataract-microcornea-renal glucosuria syndrome. Also called: Cataract 47, juvenile, with microcornea; CATARACT 47; CATARACT, JUVENILE, WITH MICROCORNEA. Identifiers: Orphanet 247794, MedGen C4310806, MONDO:0012786, OMIM 612018.

Allele frequency attached by ClinVar (database versions not stated): TOPMed 0.00001; ExAC 0.00002; gnomAD 0.00003 and 0.00004; gnomAD exomes 0.00003; 1000 Genomes Project 0.00040; 1000 Genomes Project 30x 0.00047.
gnomAD v4.1: 56 of 1,613,890 alleles (0.0035%); highest among the groups gnomAD compares: African/African-American, 0.0053%; no homozygotes.

Submissions (4):

Blueprint Genetics
Classification: Uncertain significance. Last evaluated: 2024-11-18. Review status: criteria provided, single submitter. Criteria: ACMG Guidelines, 2015. Collection method: clinical testing. Allele origin: germline.

Fulgent Genetics
Classification: Uncertain significance for Juvenile cataract-microcornea-renal glucosuria syndrome. Last evaluated: 2024-05-14. Review status: criteria provided, single submitter. Criteria: ACMG Guidelines, 2015. Collection method: clinical testing. Allele origin: germline.

Labcorp Genetics (formerly Invitae), Labcorp
Classification: Uncertain significance. Last evaluated: 2023-06-25. Review status: criteria provided, single submitter. Criteria: Invitae Variant Classification Sherloc (09022015). Collection method: clinical testing. Allele origin: germline.
Comment: ClinVar contains an entry for this variant (Variation ID: 1304566). In summary, the available evidence is currently insufficient to determine the role of this variant in disease. Therefore, it has been classified as a Variant of Uncertain Significance. An algorithm developed to predict the effect of missense changes on protein structure and function (PolyPhen-2) suggests that this variant is likely to be disruptive. This missense change has been observed in individual(s) with cataract (PMID: 29088427). This variant is present in population databases (rs190323395, gnomAD 0.02%). This sequence change replaces threonine, which is neutral and polar, with methionine, which is neutral and non-polar, at codon 136 of the SLC16A12 protein (p.Thr136Met).

GeneDx
Classification: Uncertain significance. Last evaluated: 2021-03-31. Review status: criteria provided, single submitter. Criteria: GeneDx Variant Classification Process June 2021. Collection method: clinical testing. Allele origin: germline. Affected: yes.
Comment: Observed in three patients with age-related cataract in published literature (Staubli et al., 2017); Functional studies show T136M does not affect creatine uptake (Staubli et al., 2017); In silico analysis supports that this missense variant has a deleterious effect on protein structure/function; This variant is associated with the following publications: (PMID: 29088427)

Literature cited by the submitters: PubMed 29088427 (cited by Labcorp Genetics (formerly Invitae), Labcorp).